The following is an entry in ClinVar:

ClinVar aggregate classification (germline): Likely benign. Review status: criteria provided, multiple submitters, no conflicts (2 of 4 stars). 3 submissions from 3 submitters: Likely benign (3). Last evaluated 2025-10-15.

Allele frequency attached by ClinVar (database versions not stated): ExAC 0.00001; gnomAD exomes 0.00002; gnomAD 0.00004 and 0.00005.
gnomAD v4.1: 28 of 1,610,512 alleles (0.0017%); highest among the groups gnomAD compares: Middle Eastern, 0.083%; no homozygotes.

Submissions (3):

Mayo Clinic Laboratories, Mayo Clinic
Classification: Likely benign. Last evaluated: 2025-10-15. Review status: criteria provided, single submitter. Criteria: ACMG Guidelines, 2015. Collection method: clinical testing. Allele origin: germline. Observed: 1 variant allele.
Comment: BP4, BP7, PM2_supporting

Labcorp Genetics (formerly Invitae), Labcorp
Classification: Likely benign. Last evaluated: 2024-10-08. Review status: criteria provided, single submitter. Criteria: Invitae Variant Classification Sherloc (09022015). Collection method: clinical testing. Allele origin: germline.

Blueprint Genetics
Classification: Likely benign. Last evaluated: 2024-09-18. Review status: criteria provided, single submitter. Criteria: ACMG Guidelines, 2015. Collection method: clinical testing. Allele origin: germline.

NM_001013838.3(CARMIL2):c.2541G>A (p.Pro847=)

Gene: CARMIL2 (capping protein regulator and myosin 1 linker 2; plus strand). Cytogenetic location: 16q22.1.
Variant type: single nucleotide variant.
Coding change: c.2541G>A on transcript NM_001013838.3 (MANE Select); coding-DNA position 2541, G replaced by A.
Protein change: p.Pro847=; no amino-acid change (proline 847 retained).
Molecular consequence: synonymous variant.
Genome position (GRCh38, 1-based): chr16:67,651,798, G>A. VCF-style: chr16-67651798-G-A. GRCh37 (hg19) VCF-style: chr16-67685701-G-A.
Other names: p.Pro847=; c.2433G>A, p.Pro811= (NM_001317026.3).
Identifiers: ClinVar variation 1642469 (VCV001642469.10), dbSNP rs774957513, ClinGen allele CA8113810.